The following is an entry in ClinVar:

ClinVar aggregate classification (germline): Pathogenic. Review status: criteria provided, multiple submitters, no conflicts (2 of 4 stars). 3 submissions from 3 submitters: Pathogenic (2). 1 of the submissions does not count toward it. Last evaluated 2024-01-19.

Conditions:
Muscular dystrophy-dystroglycanopathy (limb-girdle), type C, 8. Also called: MUSCULAR DYSTROPHY, LIMB-GIRDLE, AUTOSOMAL RECESSIVE 24; MUSCULAR DYSTROPHY-DYSTROGLYCANOPATHY, LIMB-GIRDLE, POMGNT2-RELATED. Identifiers: MedGen C4748320, MONDO:0029135, OMIM 618135.
Muscular dystrophy-dystroglycanopathy (congenital with brain and eye anomalies), type a, 8 (MDDGA8). Also called: WALKER-WARBURG SYNDROME OR MUSCLE-EYE-BRAIN DISEASE, GTDC2-RELATED. Identifiers: Orphanet 899, MedGen C3553813, MONDO:0013904, OMIM 614830.

Allele frequency attached by ClinVar (database versions not stated): ExAC 0.00002; gnomAD exomes 0.00001 and 0.00002; ESP Exome Variant Server 0.00008.
gnomAD v4.1: 20 of 1,614,176 alleles (0.0012%); highest among the groups gnomAD compares: East Asian, 0.02%; no homozygotes.

Submissions (3):

Labcorp Genetics (formerly Invitae), Labcorp
Classification: Pathogenic for Muscular dystrophy-dystroglycanopathy (congenital with brain and eye anomalies), type a, 8. Last evaluated: 2024-01-19. Review status: criteria provided, single submitter. Criteria: Invitae Variant Classification Sherloc (09022015). Collection method: clinical testing. Allele origin: germline.
Comment: This sequence change replaces proline, which is neutral and non-polar, with leucine, which is neutral and non-polar, at codon 253 of the POMGNT2 protein (p.Pro253Leu). This variant is present in population databases (rs374042455, gnomAD 0.006%). This missense change has been observed in individual(s) with muscular dystrophy-dystroglycanopathy (PMID: 27066570). ClinVar contains an entry for this variant (Variation ID: 545449). Advanced modeling of protein sequence and biophysical properties (such as structural, functional, and spatial information, amino acid conservation, physicochemical variation, residue mobility, and thermodynamic stability) has been performed at Invitae for this missense variant, however the output from this modeling did not meet the statistical confidence thresholds required to predict the impact of this variant on POMGNT2 protein function. Experimental studies have shown that this missense change affects POMGNT2 function (PMID: 27066570). For these reasons, this variant has been classified as Pathogenic.

Equipe Genetique des Anomalies du Developpement, Université de Bourgogne
Classification: Pathogenic for Muscular dystrophy-dystroglycanopathy (congenital with brain and eye anomalies), type a, 8. Last evaluated: 2017-04-26. Review status: criteria provided, single submitter. Criteria: ACMG Guidelines, 2015. Collection method: clinical testing. Allele origin: inherited. Affected: yes. Observed: 1 homozygote.

OMIM
Classification: Pathogenic for MUSCULAR DYSTROPHY-DYSTROGLYCANOPATHY (LIMB-GIRDLE), TYPE C, 8. Last evaluated: 2018-10-01. Review status: no assertion criteria provided. Collection method: literature only. Allele origin: germline. Not counted in ClinVar's aggregate classification.

Literature cited by the submitters: PubMed 27066570 (cited by Labcorp Genetics (formerly Invitae), Labcorp and OMIM).

NM_032806.6(POMGNT2):c.758C>T (p.Pro253Leu)

Gene: POMGNT2 (protein O-linked mannose N-acetylglucosaminyltransferase 2 (beta 1,4-); minus strand). Cytogenetic location: 3p22.1.
Variant type: single nucleotide variant.
Coding change: c.758C>T on transcript NM_032806.6 (MANE Select); coding-DNA position 758, C replaced by T.
Protein change: p.Pro253Leu; replaces proline 253 with leucine.
Molecular consequence: missense variant.
Genome position (GRCh38, 1-based): chr3:43,080,674, G>A on the plus strand (C>T on the coding strand, the complement: POMGNT2 is on the minus strand). VCF-style: chr3-43080674-G-A. GRCh37 (hg19) VCF-style: chr3-43122166-G-A.
Other names: short protein forms P253L.
Identifiers: ClinVar variation 545449 (VCV000545449.6), dbSNP rs374042455, ClinGen allele CA2340002.